The following is an entry in ClinVar:

ClinVar aggregate classification (germline): Likely pathogenic. Review status: criteria provided, multiple submitters, no conflicts (2 of 4 stars). 5 submissions from 5 submitters: Likely pathogenic (5). Last evaluated 2026-05-18.

Conditions:
Hypophosphatasia. Also called: Phosphoethanol-aminuria. Identifiers: Orphanet 436, MedGen C0020630, MeSH D007014, MONDO:0018570.

Submissions (5):

Myriad Genetics, Inc.
Classification: Likely pathogenic for Hypophosphatasia. Last evaluated: 2026-05-18. Review status: criteria provided, single submitter. Criteria: Myriad Autosomal Dominant, Autosomal Recessive and X-Linked Classification Criteria (2023). Collection method: clinical testing. Allele origin: unknown.
Comment: NM_000478.4(ALPL):c.1367G>A(G456E) is a missense variant classified as likely pathogenic in the context of hypophosphatasia. Please note that G456E is associated with autosomal dominant hypophosphatasia. The reproductive risk may be as high as 50%. G456E has been observed in a case with relevant disease (PMID: 32973344). Relevant functional assessments of this variant are available in the literature (PMID: 32160374). G456E has not been observed in referenced population frequency databases. In summary, NM_000478.4(ALPL):c.1367G>A(G456E) is a missense variant that has both functional and internal structural support for pathogenicity and has been observed more frequently in cases with the relevant disease than in healthy populations. Please note: this variant was assessed in the context of healthy population screening.

Labcorp Genetics (formerly Invitae), Labcorp
Classification: Likely pathogenic. Last evaluated: 2026-01-22. Review status: criteria provided, single submitter. Criteria: Invitae Variant Classification Sherloc (09022015). Collection method: clinical testing. Allele origin: germline.
Comment: This sequence change replaces glycine, which is neutral and non-polar, with glutamic acid, which is acidic and polar, at codon 456 of the ALPL protein (p.Gly456Glu). This variant is not present in population databases (gnomAD no frequency). This variant has not been reported in the literature in individuals affected with ALPL-related conditions. ClinVar contains an entry for this variant (Variation ID: 1511003). Invitae Evidence Modeling of protein sequence and biophysical properties (such as structural, functional, and spatial information, amino acid conservation, physicochemical variation, residue mobility, and thermodynamic stability) indicates that this missense variant is expected to disrupt ALPL protein function with a positive predictive value of 95%. Experimental studies have shown that this missense change affects ALPL function (PMID: 32160374). This variant disrupts the p.Gly456 amino acid residue in ALPL. Other variant(s) that disrupt this residue have been determined to be pathogenic (PMID: 8954059, 19500388, 31641588). This suggests that this residue is clinically significant, and that variants that disrupt this residue are likely to be disease-causing. In summary, the currently available evidence indicates that the variant is pathogenic, but additional data are needed to prove that conclusively. Therefore, this variant has been classified as Likely Pathogenic.

Women's Health and Genetics/Laboratory Corporation of America, LabCorp
Classification: Likely pathogenic for Hypophosphatasia. Last evaluated: 2025-10-09. Review status: criteria provided, single submitter. Criteria: LabCorp Variant Classification Summary - May 2015. Collection method: clinical testing. Allele origin: germline.
Comment: Variant summary: ALPL c.1367G>A (p.Gly456Glu) results in a non-conservative amino acid change in the encoded protein sequence. Algorithms developed to predict the effect of missense changes on protein structure and function all suggest that this variant is likely to be disruptive. The variant was absent in 244944 control chromosomes (gnomAD). c.1367G>A has been observed in an individual(s) affected with skeletal dysplasia (MacCarrick_2024). This report does not provide unequivocal conclusions about association of the variant with Hypophosphatasia. At least one publication reports experimental evidence evaluating an impact on protein function. The most pronounced variant effect results in <10% of normal activity (del Angel_2020). The following publications have been ascertained in the context of this evaluation (PMID: 32160374, 38702915). ClinVar contains an entry for this variant (Variation ID: 1511003). Based on the evidence outlined above, the variant was classified as likely pathogenic.

Genomenon, Inc
Classification: Likely pathogenic for Hypophosphatasia. Last evaluated: 2025-08-29. Review status: criteria provided, single submitter. Criteria: Genomenon Sequence Variant Interpretation Standards. Collection method: curation. Allele origin: germline. Affected: yes.
Comment: ALPL c.1367G>A is a missense variant that changes the amino acid at residue 456 from Glycine to Glutamic acid. This variant has been observed in at least one proband affected with hypophosphatasia (PMID:32973344). At least one functional study has demonstrated a substantial alteration in protein function relative to the wild-type (PMID:32160374). It is absent or not present at a significant frequency in gnomAD. In silico models agree that this variant is possibly or probably damaging. In conclusion, we classify ALPL p.Gly456Glu (c.1367G>A) as a likely pathogenic variant.

JKU Lab, Dept of Paediatrics, Johannes Kepler University
Classification: Likely pathogenic for Hypophosphatasia. Last evaluated: 2023-10-24. Review status: criteria provided, single submitter. Criteria: ACMG Guidelines, 2015. Collection method: clinical testing. Allele origin: germline. Affected: yes. Observed: 1 heterozygote.
Comment: Absent in GnomAD. Functional testing at the JKU lab showed reduced ALP residual activity. The functional test results and ACMG criteria applied can be looked up in the ALPL gene variant database.

Literature cited by the submitters: PubMed 32160374 (cited by 4 submitters); PubMed 32973344 (cited by Myriad Genetics, Inc. and Genomenon, Inc); PubMed 8954059 (cited by Labcorp Genetics (formerly Invitae), Labcorp); PubMed 19500388 (cited by Labcorp Genetics (formerly Invitae), Labcorp); PubMed 31641588 (cited by Labcorp Genetics (formerly Invitae), Labcorp); PubMed 38702915 (cited by Women's Health and Genetics/Laboratory Corporation of America, LabCorp).

NM_000478.6(ALPL):c.1367G>A (p.Gly456Glu)

Gene: ALPL (alkaline phosphatase, biomineralization associated; plus strand). Cytogenetic location: 1p36.12.
Variant type: single nucleotide variant.
Coding change: c.1367G>A on transcript NM_000478.6 (MANE Select); coding-DNA position 1367, G replaced by A.
Protein change: p.Gly456Glu; replaces glycine 456 with glutamic acid.
Molecular consequence: missense variant.
Genome position (GRCh38, 1-based): chr1:21,577,440, G>A. VCF-style: chr1-21577440-G-A. GRCh37 (hg19) VCF-style: chr1-21903933-G-A.
Other names: c.1202G>A, p.Gly401Glu (NM_001127501.4); c.1136G>A, p.Gly379Glu (NM_001177520.3); c.1367G>A, p.Gly456Glu (NM_001369803.2, NM_001369804.2, NM_001369805.2); short protein forms G379E, G456E, G401E.
Identifiers: ClinVar variation 1511003 (VCV001511003.9), dbSNP rs1644753808, ClinGen allele CA338882047.